The following is an entry in ClinVar:

NM_001384732.1(CPLANE1):c.113A>C (p.Lys38Thr)

Gene: CPLANE1 (ciliogenesis and planar polarity effector complex subunit 1; minus strand). Cytogenetic location: 5p13.2.
Variant type: single nucleotide variant.
Coding change: c.113A>C on transcript NM_001384732.1 (MANE Select); coding-DNA position 113, A replaced by C.
Protein change: p.Lys38Thr; replaces lysine 38 with threonine.
Molecular consequence: missense variant.
Genome position (GRCh38, 1-based): chr5:37,245,814, T>G on the plus strand (A>C on the coding strand, the complement: CPLANE1 is on the minus strand). VCF-style: chr5-37245814-T-G. GRCh37 (hg19) VCF-style: chr5-37245916-T-G.
Other names: c.113A>C, p.Lys38Thr (NM_023073.4); short protein forms K38T.
Identifiers: ClinVar variation 2573856 (VCV002573856.2), dbSNP rs1043094880, ClinGen allele CA117069435.
Genomic context (GRCh38, chr5:37,245,814, plus strand): 5'-TGCAGACTAGGAATTTTCTTCTTTATCTTTCCTGATAGCAAATTAATTTCATTTATGAAT[T>G]TATCATCCAAAAGAAAAACGGCTTCTTTTTCCTAAGAGAAGAAACATGTGAAGGACTCAA-3'
Protein context (NP_001371661.1, residues 28-48): EKEAVFLLDD[Lys38Thr]FINEINLLSG

ClinVar aggregate classification (germline): Uncertain significance. Review status: criteria provided, multiple submitters, no conflicts (2 of 4 stars). 2 submissions from 2 submitters: Uncertain significance (2). Last evaluated 2024-02-08.

Conditions:
Joubert syndrome 17 (JBTS17). Identifiers: Orphanet 475, MedGen C3553264, MONDO:0013824, OMIM 614615.
Orofaciodigital syndrome type 6 (OFD6). Also called: OROFACIODIGITAL SYNDROME VI; OFDS VI; POLYDACTYLY, CLEFT LIP/PALATE OR LINGUAL LUMP, AND PSYCHOMOTOR RETARDATION; VARADI SYNDROME; VARADI-PAPP SYNDROME; Oral-facial-digital syndrome type 6. Identifiers: Orphanet 2754, MedGen C2745997, MONDO:0010176, OMIM 277170.

Allele frequency attached by ClinVar (database versions not stated): gnomAD exomes below 0.00001; gnomAD 0.00003; TOPMed 0.00005.
gnomAD v4.1: 10 of 1,526,428 alleles (0.00066%); highest among the groups gnomAD compares: African/African-American, 0.014%; no homozygotes.

Submissions (2):

Fulgent Genetics
Classification: Uncertain significance for Orofaciodigital syndrome type 6; Joubert syndrome 17. Last evaluated: 2024-02-08. Review status: criteria provided, single submitter. Criteria: ACMG Guidelines, 2015. Collection method: clinical testing. Allele origin: germline.

GeneDx
Classification: Uncertain significance. Last evaluated: 2023-01-22. Review status: criteria provided, single submitter. Criteria: GeneDx Variant Classification Process June 2021. Collection method: clinical testing. Allele origin: germline. Affected: yes.
Comment: In silico analysis supports that this missense variant has a deleterious effect on protein structure/function; Has not been previously published as pathogenic or benign to our knowledge